The following is an entry in ClinVar:

NM_031407.7(HUWE1):c.11888G>C (p.Arg3963Pro)

Gene: HUWE1 (HECT, UBA and WWE domain containing E3 ubiquitin protein ligase 1; minus strand). Cytogenetic location: Xp11.22.
Variant type: single nucleotide variant.
Coding change: c.11888G>C on transcript NM_031407.7 (MANE Select); coding-DNA position 11888, G replaced by C.
Protein change: p.Arg3963Pro; replaces arginine 3963 with proline.
Molecular consequence: missense variant.
Genome position (GRCh38, 1-based): chrX:53,538,445, C>G on the plus strand (G>C on the coding strand, the complement: HUWE1 is on the minus strand). VCF-style: chrX-53538445-C-G. GRCh37 (hg19) VCF-style: chrX-53565406-C-G.
Other names: short protein forms R3963P.
Identifiers: ClinVar variation 2724589 (VCV002724589.3), dbSNP rs2061162869, ClinGen allele CA413157378.
Genomic context (GRCh38, chrX:53,538,445, plus strand): 5'-GCAAAAGGCCCATCAGCAAGGTGGGTCGTGGACTGCCGTAGGATCTGGTTTAACACAGTG[C>G]GGTGAGTCTCTGAGGGGAGAAGTGACAGCAGGAATTAAGCACATCATCTGCCCCAGAAGC-3'
Protein context (NP_113584.3, residues 3953-3973): QKFLRFAETH[Arg3963Pro]TVLNQILRQS

ClinVar aggregate classification (germline): Uncertain significance (1 of 4 stars; one submission).

Submission:

Labcorp Genetics (formerly Invitae), Labcorp
Classification: Uncertain significance. Last evaluated: 2023-11-21. Review status: criteria provided, single submitter. Criteria: Invitae Variant Classification Sherloc (09022015). Collection method: clinical testing. Allele origin: germline.
Comment: This sequence change replaces arginine, which is basic and polar, with proline, which is neutral and non-polar, at codon 3963 of the HUWE1 protein (p.Arg3963Pro). This variant is not present in population databases (gnomAD no frequency). This variant has not been reported in the literature in individuals affected with HUWE1-related conditions. Advanced modeling of protein sequence and biophysical properties (such as structural, functional, and spatial information, amino acid conservation, physicochemical variation, residue mobility, and thermodynamic stability) performed at Invitae indicates that this missense variant is expected to disrupt HUWE1 protein function with a positive predictive value of 95%. In summary, the available evidence is currently insufficient to determine the role of this variant in disease. Therefore, it has been classified as a Variant of Uncertain Significance.